The following is an entry in ClinVar:

ClinVar aggregate classification (germline): Uncertain significance (1 of 4 stars; one submission).

Conditions:
Hereditary cancer-predisposing syndrome. Also called: Tumor predisposition; Hereditary neoplastic syndrome; Neoplastic Syndromes, Hereditary; Hereditary Cancer Syndrome. Identifiers: Orphanet 140162, MedGen C0027672, MeSH D009386, MONDO:0015356.

Submission:

Ambry Genetics
Classification: Uncertain significance for Hereditary cancer-predisposing syndrome. Last evaluated: 2026-06-09. Review status: criteria provided, single submitter. Criteria: Ambry Variant Classification Scheme 2023. Collection method: clinical testing. Allele origin: germline.
Comment: The p.Y321C variant (also known as c.962A>G), located in coding exon 6 of the MEN1 gene, results from an A to G substitution at nucleotide position 962. The tyrosine at codon 321 is replaced by cysteine, an amino acid with highly dissimilar properties. This amino acid position is conserved. In addition, this alteration is predicted to be deleterious by in silico analysis. Based on the available evidence, the clinical significance of this variant remains unclear.

NM_001370259.2(MEN1):c.962A>G (p.Tyr321Cys)

Gene: MEN1 (menin 1; minus strand). Cytogenetic location: 11q13.1.
Variant type: single nucleotide variant.
Coding change: c.962A>G on transcript NM_001370259.2 (MANE Select); coding-DNA position 962, A replaced by G.
Protein change: p.Tyr321Cys; replaces tyrosine 321 with cysteine.
Molecular consequence: missense variant. On other transcripts: non-coding transcript variant (4).
Genome position (GRCh38, 1-based): chr11:64,806,319, T>C on the plus strand (A>G on the coding strand, the complement: MEN1 is on the minus strand). VCF-style: chr11-64806319-T-C. GRCh37 (hg19) VCF-style: chr11-64573791-T-C.
Other names: c.977A>G, p.Tyr326Cys (NM_000244.4, NM_130800.3, NM_130801.3 and 5 more transcripts); c.962A>G, p.Tyr321Cys (NM_001370251.2, NM_001370260.2, NM_001370261.2 and 7 more transcripts); c.857A>G, p.Tyr286Cys (NM_001370262.2, NM_001370263.2, NM_001407148.1 and 2 more transcripts); short protein forms Y321C, Y326C, Y286C.
Identifiers: ClinVar variation 3125303 (VCV003125303.2), dbSNP rs2497175149, ClinGen allele CA381183356.